The following is an entry in ClinVar:

ClinVar aggregate classification (germline): Pathogenic. Review status: criteria provided, multiple submitters, no conflicts (2 of 4 stars). 3 submissions from 3 submitters: Pathogenic (2). 1 of the submissions does not count toward it. Last evaluated 2024-01-12.

Conditions:
Polycystic kidney disease 3 with or without polycystic liver disease. Also called: POLYCYSTIC KIDNEY DISEASE, ADULT, TYPE III; Polycystic Kidney and/or Polycystic Liver Disease 3; Polycystic kidney disease 3. Identifiers: MedGen C3887964, MONDO:0010916, OMIM 600666.

Submissions (3):

GeneDx
Classification: Pathogenic. Last evaluated: 2024-01-12. Review status: criteria provided, single submitter. Criteria: GeneDx Variant Classification Process June 2021. Collection method: clinical testing. Allele origin: germline. Affected: yes.
Comment: Frameshift variant predicted to result in protein truncation or nonsense mediated decay in a gene for which loss of function is a known mechanism of disease; Not observed at significant frequency in large population cohorts (gnomAD); This variant is associated with the following publications: (PMID: 29038287, 28784653, 27259053)

Fulgent Genetics
Classification: Pathogenic for Polycystic kidney disease 3 with or without polycystic liver disease. Last evaluated: 2021-06-30. Review status: criteria provided, single submitter. Criteria: ACMG Guidelines, 2015. Collection method: clinical testing. Allele origin: unknown.
Comment: This variant has been detected in individual(s) who were sent for testing of Renasight - kidney gene panel.

OMIM
Classification: Pathogenic for POLYCYSTIC KIDNEY DISEASE 3 WITH OR WITHOUT POLYCYSTIC LIVER DISEASE. Last evaluated: 2018-02-22. Review status: no assertion criteria provided. Collection method: literature only. Allele origin: germline. Not counted in ClinVar's aggregate classification.

Literature cited by the submitters: PubMed 27259053 (cited by OMIM).

NM_198334.3(GANAB):c.1848_1849del (p.Asp618fs)

Gene: GANAB (glucosidase II alpha subunit; minus strand). Cytogenetic location: 11q12.3.
Variant type: Deletion.
Coding change: c.1848_1849del on transcript NM_198334.3 (MANE Select); coding-DNA positions 1848 to 1849, 2 bases deleted (AG; older notation c.1848_1849delAG).
Protein change: p.Asp618fs; shifts the reading frame from aspartic acid 618.
Molecular consequence: frameshift variant.
Genome position (GRCh38, 1-based): chr11:62,629,281-62,629,282, CT deleted on the plus strand (AG on the coding strand, the reverse complement: GANAB is on the minus strand). VCF-style (leftmost placement, unchanged base first): chr11-62629280-CCT-C. GRCh37 (hg19) VCF-style: chr11-62396752-CCT-C.
Other names: c.1914_1915del (NM_198335.3); c.1572_1573del, p.Asp526fs (NM_001278192.2); c.1506_1507del, p.Asp504fs (NM_001278193.2); c.1557_1558del, p.Asp521fs (NM_001278194.2, NM_001329222.2, NM_001329223.2); c.1125_1126del, p.Asp377fs (NM_001329224.2, NM_001329225.2); c.1914_1915del, p.Asp640fs (NM_198335.4); short protein forms D377fs, D618fs, D504fs, D521fs, D526fs, D640fs.
Identifiers: ClinVar variation 253129 (VCV000253129.5), dbSNP rs879255641, ClinGen allele CA10586208.